The following is an entry in ClinVar:

ClinVar aggregate classification (germline): Uncertain significance. Review status: criteria provided, multiple submitters, no conflicts (2 of 4 stars). 2 submissions from 2 submitters: Uncertain significance (2). Last evaluated 2026-07-22.

Conditions:
Cardiovascular phenotype. Identifiers: MedGen CN230736.
Brugada syndrome 8 (BRGDA8). Identifiers: Orphanet 130, MedGen C2751083, MONDO:0013148, OMIM 613123.

Allele frequency attached by ClinVar (database versions not stated): TOPMed below 0.00001; gnomAD 0.00001; gnomAD exomes 0.00001 and 0.00002.
gnomAD v4.1: 23 of 1,614,114 alleles (0.0014%); highest among the groups gnomAD compares: Middle Eastern, 0.016%; no homozygotes.

Submissions (2):

Ambry Genetics
Classification: Uncertain significance for Cardiovascular phenotype. Last evaluated: 2026-07-22. Review status: criteria provided, single submitter. Criteria: Ambry Variant Classification Scheme 2023. Collection method: clinical testing. Allele origin: germline.
Comment: The p.M607T variant (also known as c.1820T>C), located in coding exon 6 of the HCN4 gene, results from a T to C substitution at nucleotide position 1820. The methionine at codon 607 is replaced by threonine, an amino acid with similar properties. This amino acid position is highly conserved in available vertebrate species. In addition, this alteration is predicted to be deleterious by in silico analysis. Based on the available evidence, the clinical significance of this variant remains unclear.

Labcorp Genetics (formerly Invitae), Labcorp
Classification: Uncertain significance for Brugada syndrome 8. Last evaluated: 2025-04-06. Review status: criteria provided, single submitter. Criteria: Invitae Variant Classification Sherloc (09022015). Collection method: clinical testing. Allele origin: germline.
Comment: This sequence change replaces methionine, which is neutral and non-polar, with threonine, which is neutral and polar, at codon 607 of the HCN4 protein (p.Met607Thr). This variant is present in population databases (no rsID available, gnomAD 0.002%). This variant has not been reported in the literature in individuals affected with HCN4-related conditions. ClinVar contains an entry for this variant (Variation ID: 1356738). Invitae Evidence Modeling of protein sequence and biophysical properties (such as structural, functional, and spatial information, amino acid conservation, physicochemical variation, residue mobility, and thermodynamic stability) indicates that this missense variant is expected to disrupt HCN4 protein function with a positive predictive value of 95%. In summary, the available evidence is currently insufficient to determine the role of this variant in disease. Therefore, it has been classified as a Variant of Uncertain Significance.

NM_005477.3(HCN4):c.1820T>C (p.Met607Thr)

Gene: HCN4 (hyperpolarization activated cyclic nucleotide gated potassium channel 4; minus strand). Cytogenetic location: 15q24.1.
Variant type: single nucleotide variant.
Coding change: c.1820T>C on transcript NM_005477.3 (MANE Select); coding-DNA position 1820, T replaced by C.
Protein change: p.Met607Thr; replaces methionine 607 with threonine.
Molecular consequence: missense variant.
Genome position (GRCh38, 1-based): chr15:73,325,113, A>G on the plus strand (T>C on the coding strand, the complement: HCN4 is on the minus strand). VCF-style: chr15-73325113-A-G. GRCh37 (hg19) VCF-style: chr15-73617454-A-G.
Other names: c.1820T>C (NM_005477.2); short protein forms M607T.
Identifiers: ClinVar variation 1356738 (VCV001356738.7), dbSNP rs1483177160, ClinGen allele CA393090809.
Genomic context (GRCh38, chr15:73,325,113, plus strand): 5'-GTGCCTTCCCGGATGATGTAGTCCCCAGGCTGGAAGACCTCGAAACGCAGCTTGGTCAGC[A>G]TGGACGTCACGAAGTTGGGGTCCGCATTGGCAAACAGTGGCATGGAGGCCACCAGCTTCC-3'
Protein context (NP_005468.1, residues 597-617): ANADPNFVTS[Met607Thr]LTKLRFEVFQ